The following is an entry in ClinVar:

ClinVar aggregate classification (germline): Uncertain significance (1 of 4 stars; one submission).

Conditions:
Muscular dystrophy-dystroglycanopathy (congenital with brain and eye anomalies), type A2. Also called: MUSCULAR DYSTROPHY-DYSTROGLYCANOPATHY (CONGENITAL WITH BRAIN AND EYE ANOMALIES), TYPE A, 2; WALKER-WARBURG SYNDROME OR MUSCLE-EYE-BRAIN DISEASE, POMT2-RELATED. Identifiers: Orphanet 588, Orphanet 899, MedGen C3150411, MONDO:0013154, OMIM 613150.
Autosomal recessive limb-girdle muscular dystrophy type 2N. Also called: MUSCULAR DYSTROPHY-DYSTROGLYCANOPATHY, LIMB-GIRDLE, POMT2-RELATED; Muscular dystrophy-dystroglycanopathy (limb-girdle), type C, 2. Identifiers: Orphanet 206559, MedGen C3150418, MONDO:0013162, OMIM 613158.
Muscular dystrophy-dystroglycanopathy (congenital with impaired intellectual development), type B, 2. Also called: Muscular dystrophy-dystroglycanopathy (congenital with intellectual disability), type B2; MUSCULAR DYSTROPHY, CONGENITAL, POMT2-RELATED. Identifiers: MedGen C3150416, MONDO:0013160, OMIM 613156.

Allele frequency attached by ClinVar (database versions not stated): gnomAD 0.00001; ExAC 0.00005; 1000 Genomes Project 0.00040; 1000 Genomes Project 30x 0.00047.
gnomAD v4.1: 34 of 1,614,156 alleles (0.0021%); highest among the groups gnomAD compares: South Asian, 0.037%; no homozygotes.

Submission:

Labcorp Genetics (formerly Invitae), Labcorp
Classification: Uncertain significance for Muscular dystrophy-dystroglycanopathy (congenital with impaired intellectual development), type B, 2; Muscular dystrophy-dystroglycanopathy (congenital with brain and eye anomalies), type A2; Autosomal recessive limb-girdle muscular dystrophy type 2N. Last evaluated: 2022-05-09. Review status: criteria provided, single submitter. Criteria: Invitae Variant Classification Sherloc (09022015). Collection method: clinical testing. Allele origin: germline.
Comment: This sequence change replaces valine, which is neutral and non-polar, with leucine, which is neutral and non-polar, at codon 491 of the POMT2 protein (p.Val491Leu). This variant is present in population databases (rs571153709, gnomAD 0.03%). This variant has not been reported in the literature in individuals affected with POMT2-related conditions. Algorithms developed to predict the effect of missense changes on protein structure and function (SIFT, PolyPhen-2, Align-GVGD) all suggest that this variant is likely to be tolerated. In summary, the available evidence is currently insufficient to determine the role of this variant in disease. Therefore, it has been classified as a Variant of Uncertain Significance.

NM_013382.7(POMT2):c.1471G>C (p.Val491Leu)

Gene: POMT2 (protein O-mannosyltransferase 2; minus strand). Cytogenetic location: 14q24.3.
Variant type: single nucleotide variant.
Coding change: c.1471G>C on transcript NM_013382.7 (MANE Select); coding-DNA position 1471, G replaced by C.
Protein change: p.Val491Leu; replaces valine 491 with leucine.
Molecular consequence: missense variant.
Genome position (GRCh38, 1-based): chr14:77,285,494, C>G on the plus strand (G>C on the coding strand, the complement: POMT2 is on the minus strand). VCF-style: chr14-77285494-C-G. GRCh37 (hg19) VCF-style: chr14-77751837-C-G.
Other names: short protein forms V491L.
Identifiers: ClinVar variation 2099445 (VCV002099445.1), dbSNP rs571153709, ClinGen allele CA7285849.
Genomic context (GRCh38, chr14:77,285,494, plus strand): 5'-GGAAAATCAGGACCCTCGATTGGGACAGCAAAACCCTAGAGACTTACCACTTGGGCAGAA[C>G]CTTTCCCGAGGAGCCCAGGACACAACCTGTGACCAAATGGATGAAGCGAATTCGACTTCT-3'
Protein context (NP_037514.2, residues 481-501): TGCVLGSSGK[Val491Leu]LPKWGWEQLE